The following is an entry in ClinVar:

NM_014727.3(KMT2B):c.1575G>A (p.Arg525=)

Gene: KMT2B (lysine methyltransferase 2B; plus strand). Cytogenetic location: 19q13.12.
Variant type: single nucleotide variant.
Coding change: c.1575G>A on transcript NM_014727.3 (MANE Select); coding-DNA position 1575, G replaced by A.
Protein change: p.Arg525=; no amino-acid change (arginine 525 retained).
Molecular consequence: synonymous variant.
Genome position (GRCh38, 1-based): chr19:35,720,922, G>A. VCF-style: chr19-35720922-G-A. GRCh37 (hg19) VCF-style: chr19-36211824-G-A.
Identifiers: ClinVar variation 1013154 (VCV001013154.47), dbSNP rs116170996, ClinGen allele CA9384248.

ClinVar aggregate classification (germline): Benign/Likely benign. Review status: criteria provided, multiple submitters, no conflicts (2 of 4 stars). 4 submissions from 4 submitters: Benign (2); Likely benign (2). Last evaluated 2026-03-01.

Allele frequency attached by ClinVar (database versions not stated): gnomAD exomes 0.00033 and 0.00077; ExAC 0.00110; 1000 Genomes Project 30x 0.00219; ESP Exome Variant Server 0.00238; TOPMed 0.00238; 1000 Genomes Project 0.00240; gnomAD 0.00253 and 0.00269.
gnomAD v4.1: 896 of 1,610,644 alleles (0.056%); highest among the groups gnomAD compares: African/African-American, 0.8%; 4 homozygotes.

Submissions (4):

CeGaT Center for Human Genetics Tuebingen
Classification: Likely benign. Last evaluated: 2026-03-01. Review status: criteria provided, single submitter. Criteria: CeGaT Center For Human Genetics Tuebingen Variant Classification Criteria Version 2. Collection method: clinical testing. Allele origin: germline. Affected: yes. Observed: 8 variant alleles.
Comment: KMT2B: BP4, BP7

Labcorp Genetics (formerly Invitae), Labcorp
Classification: Benign. Last evaluated: 2026-01-28. Review status: criteria provided, single submitter. Criteria: Invitae Variant Classification Sherloc (09022015). Collection method: clinical testing. Allele origin: germline.

Blueprint Genetics
Classification: Likely benign. Last evaluated: 2024-11-28. Review status: criteria provided, single submitter. Criteria: ACMG Guidelines, 2015. Collection method: clinical testing. Allele origin: germline.

GeneDx
Classification: Benign. Last evaluated: 2020-03-25. Review status: criteria provided, single submitter. Criteria: GeneDx Variant Classification Process June 2021. Collection method: clinical testing. Allele origin: germline. Affected: yes.